The following is an entry in ClinVar:

NM_015205.3(ATP11A):c.1205A>G (p.Asn402Ser)

Gene: ATP11A (ATPase phospholipid transporting 11A; plus strand). Cytogenetic location: 13q34.
Variant type: single nucleotide variant.
Coding change: c.1205A>G on transcript NM_015205.3 (MANE Select); coding-DNA position 1205, A replaced by G.
Protein change: p.Asn402Ser; replaces asparagine 402 with serine.
Molecular consequence: missense variant.
Genome position (GRCh38, 1-based): chr13:112,826,875, A>G. VCF-style: chr13-112826875-A-G. GRCh37 (hg19) VCF-style: chr13-113481189-A-G.
Other names: c.1205A>G, p.Asn402Ser (NM_001405661.1, NM_001405662.1, NM_001405663.1 and 1 more transcripts); short protein forms N402S.
Identifiers: ClinVar variation 4173036 (VCV004173036.3).

ClinVar aggregate classification (germline): Uncertain significance. Review status: criteria provided, multiple submitters, no conflicts (2 of 4 stars). 2 submissions from 2 submitters: Uncertain significance (2). Last evaluated 2025-08-08.

Conditions:
Leukodystrophy, hypomyelinating, 24 (HLD24). Identifiers: MedGen C5676974, MONDO:0859242, OMIM 619851.
Auditory neuropathy, autosomal dominant 2 (AUNA2). Identifiers: MedGen C5830542, MONDO:0957279, OMIM 620384.
Hearing loss, autosomal dominant 84. Also called: DEAFNESS, AUTOSOMAL DOMINANT 84. Identifiers: MedGen C5676952, MONDO:0030724, OMIM 619810.
Inborn genetic diseases. Identifiers: MedGen C0950123, MeSH D030342.

gnomAD v4.1: 4 of 1,614,166 alleles (0.00025%); highest among the groups gnomAD compares: Non-Finnish European, 0.00034%; no homozygotes.

Submissions (2):

Ambry Genetics
Classification: Uncertain significance for Inborn genetic diseases. Last evaluated: 2025-08-08. Review status: criteria provided, single submitter. Criteria: Ambry Variant Classification Scheme 2023. Collection method: clinical testing. Allele origin: germline.

Juno Genomics, Hangzhou Juno Genomics, Inc
Classification: Uncertain significance for Auditory neuropathy, autosomal dominant 2; Leukodystrophy, hypomyelinating, 24; Hearing loss, autosomal dominant 84. Review status: criteria provided, single submitter. Criteria: ACMG Guidelines, 2015. Collection method: clinical testing. Allele origin: germline.
Comment: Absent from controls (or at extremely low frequency if recessive) in Genome Aggregation Database.;De novo (both maternity and paternity confirmed) in a patient with the disease and no family history.;Multiple lines of computational evidence support a deleterious effect on the gene or gene product.